The following is an entry in ClinVar:

NM_015559.3(SETBP1):c.21A>C (p.Leu7Phe)

Gene: SETBP1 (SET binding protein 1; plus strand). Cytogenetic location: 18q12.3.
Variant type: single nucleotide variant.
Coding change: c.21A>C on transcript NM_015559.3 (MANE Select); coding-DNA position 21, A replaced by C.
Protein change: p.Leu7Phe; replaces leucine 7 with phenylalanine.
Molecular consequence: missense variant.
Genome position (GRCh38, 1-based): chr18:44,701,367, A>C. VCF-style: chr18-44701367-A-C. GRCh37 (hg19) VCF-style: chr18-42281332-A-C.
Other names: c.21A>C, p.Leu7Phe (NM_001130110.2, NM_001379141.1, NM_001379142.1 and 1 more transcripts); short protein forms L7F.
Identifiers: ClinVar variation 4739926 (VCV004739926.1).

ClinVar aggregate classification (germline): Uncertain significance (1 of 4 stars; one submission).

gnomAD v4.1: 2 of 1,522,182 alleles (0.00013%); highest among the groups gnomAD compares: Non-Finnish European, 0.00018%; no homozygotes.

Submission:

Labcorp Genetics (formerly Invitae), Labcorp
Classification: Uncertain significance. Last evaluated: 2026-01-28. Review status: criteria provided, single submitter. Criteria: Invitae Variant Classification Sherloc (09022015). Collection method: clinical testing. Allele origin: germline.
Comment: This sequence change replaces leucine, which is neutral and non-polar, with phenylalanine, which is neutral and non-polar, at codon 7 of the SETBP1 protein (p.Leu7Phe). This variant is not present in population databases (gnomAD no frequency). This variant has not been reported in the literature in individuals affected with SETBP1-related conditions. An algorithm developed to predict the effect of missense changes on protein structure and function (PolyPhen-2) suggests that this variant is likely to be disruptive. In summary, the available evidence is currently insufficient to determine the role of this variant in disease. Therefore, it has been classified as a Variant of Uncertain Significance.